The following is an entry in ClinVar:

ClinVar aggregate classification (germline): Conflicting classifications of pathogenicity. Review status: criteria provided, conflicting classifications (1 of 4 stars). 5 submissions from 5 submitters: Uncertain significance (1); Likely benign (4). Last evaluated 2025-09-02.

Conditions:
Hereditary cancer-predisposing syndrome. Also called: Neoplastic Syndromes, Hereditary; Hereditary Cancer Syndrome; Hereditary neoplastic syndrome; Tumor predisposition. Identifiers: Orphanet 140162, MedGen C0027672, MeSH D009386, MONDO:0015356.
Fanconi anemia (FA). Also called: Fanconi's anemia. Identifiers: Orphanet 84, MedGen C0015625, MeSH D005199, MONDO:0019391.
Fanconi anemia complementation group A (FANCA). Also called: Fanconi anemia, group A; FANCA-Related Fanconi Anemia. Identifiers: Orphanet 84, MedGen C3469521, MONDO:0009215, OMIM 227650.

Allele frequency attached by ClinVar (database versions not stated): gnomAD exomes 0.00001.
gnomAD v4.1: 4 of 1,614,148 alleles (0.00025%); highest among the groups gnomAD compares: Non-Finnish European, 0.00025%; no homozygotes.

Submissions (5):

Labcorp Genetics (formerly Invitae), Labcorp
Classification: Likely benign for Fanconi anemia. Last evaluated: 2025-09-02. Review status: criteria provided, single submitter. Criteria: Invitae Variant Classification Sherloc (09022015). Collection method: clinical testing. Allele origin: germline.

Quest Diagnostics Nichols Institute San Juan Capistrano
Classification: Uncertain significance. Last evaluated: 2023-06-19. Review status: criteria provided, single submitter. Criteria: Quest Diagnostics criteria. Collection method: clinical testing. Allele origin: unknown.
Comment: To the best of our knowledge, this variant has not been reported in the published literature. The frequency of this variant in the general population, 0.000008 (2/251332 chromosomes (Genome Aggregation Database)), is uninformative in the assessment of its pathogenicity. Analysis of this variant using software algorithms for the prediction of the effect of nucleotide changes on splicing yielded predictions that this variant does not affect FANCC mRNA splicing . Based on the available information, we are unable to determine the clinical significance of this variant.

Blueprint Genetics
Classification: Likely benign. Last evaluated: 2022-10-20. Review status: criteria provided, single submitter. Criteria: ACMG Guidelines, 2015. Collection method: clinical testing. Allele origin: germline.

Ambry Genetics
Classification: Likely benign for Hereditary cancer-predisposing syndrome. Last evaluated: 2022-03-15. Review status: criteria provided, single submitter. Criteria: Ambry Variant Classification Scheme 2023. Collection method: clinical testing. Allele origin: germline.

Mendelics
Classification: Likely benign for Fanconi anemia complementation group A. Last evaluated: 2019-05-28. Review status: criteria provided, single submitter. Criteria: Mendelics Assertion Criteria 2017. Collection method: clinical testing. Allele origin: unknown.

NM_000136.3(FANCC):c.1275C>G (p.Leu425=)

Genes: AOPEP (aminopeptidase O (putative); plus strand), FANCC (FA complementation group C; minus strand). Cytogenetic location: 9q22.32.
Variant type: single nucleotide variant.
Coding change: c.1275C>G on transcript NM_000136.3 (MANE Select); coding-DNA position 1275, C replaced by G.
Protein change: p.Leu425=; no amino-acid change (leucine 425 retained).
Molecular consequence: synonymous variant.
Genome position (GRCh38, 1-based): chr9:95,111,517, G>C on the plus strand (C>G on the coding strand, the complement: FANCC is on the minus strand). VCF-style: chr9-95111517-G-C. GRCh37 (hg19) VCF-style: chr9-97873799-G-C.
Other names: c.1275C>G, p.Leu425= (NM_001243743.2, NM_001243744.2).
Identifiers: ClinVar variation 456153 (VCV000456153.15), dbSNP rs767126985, ClinGen allele CA5137405.